The following is an entry in ClinVar:

ClinVar aggregate classification (germline): Uncertain significance (1 of 4 stars; one submission).

Submission:

Labcorp Genetics (formerly Invitae), Labcorp
Classification: Uncertain significance. Last evaluated: 2025-08-11. Review status: criteria provided, single submitter. Criteria: Invitae Variant Classification Sherloc (09022015). Collection method: clinical testing. Allele origin: germline.
Comment: This variant, c.39_41dup, results in the insertion of 1 amino acid(s) of the COL11A2 protein (p.Leu14dup), but otherwise preserves the integrity of the reading frame. This variant is not present in population databases (gnomAD no frequency). This variant has not been reported in the literature in individuals affected with COL11A2-related conditions. Experimental studies and prediction algorithms are not available or were not evaluated, and the functional significance of this variant is currently unknown. In summary, the available evidence is currently insufficient to determine the role of this variant in disease. Therefore, it has been classified as a Variant of Uncertain Significance.

NM_080680.3(COL11A2):c.27CCT[6] (p.Leu14dup)

Gene: COL11A2 (collagen type XI alpha 2 chain; minus strand). Cytogenetic location: 6p21.32.
Variant type: Microsatellite.
Coding change: c.27CCT[6] on transcript NM_080680.3 (MANE Select); six copies in a row of the 3-base unit CCT starting at c.27; the reference has five copies in a row; one copy, 3 bases duplicated.
Protein change: p.Leu14dup; duplicates leucine 14.
Molecular consequence: inframe insertion.
Genome position (GRCh38, 1-based): chr6:33,192,200-33,192,202, AGG duplicated on the plus strand (CCT on the coding strand, the reverse complement: COL11A2 is on the minus strand); duplicating any 3 consecutive bases within chr6:33,192,200-33,192,214 gives the same sequence; the position shown is the placement nearest the transcript's 3' end. VCF-style (leftmost placement, unchanged base first): chr6-33192199-T-TAGG. GRCh37 (hg19) VCF-style: chr6-33159976-T-TAGG.
Other names: c.27CCT[6], p.Leu14dup (NM_001163771.2, NM_080679.3, NM_080681.3).
Identifiers: ClinVar variation 1441440 (VCV001441440.6), dbSNP rs754766796, ClinGen allele CA824014452.
Genomic context (GRCh38, chr6:33,192,199, plus strand): 5'-GGCATCAGGACTCCTCTTACCTGCCCAGCCTGGGGCCGCGCTCAGCCCCAGCACCAGAGG[T>TAGG]AGGAGGAGGAGGAGGCGATGGCAGCGGCTGCACCGCTCCATGGCTGAGAAGCCGAAACGC-3'